The following is an entry in ClinVar:

NM_001040108.2(MLH3):c.178G>A (p.Gly60Arg)

Gene: MLH3 (mutL homolog 3; minus strand). Cytogenetic location: 14q24.3.
Variant type: single nucleotide variant.
Coding change: c.178G>A on transcript NM_001040108.2 (MANE Select); coding-DNA position 178, G replaced by A.
Protein change: p.Gly60Arg; replaces glycine 60 with arginine.
Molecular consequence: missense variant.
Genome position (GRCh38, 1-based): chr14:75,049,478, C>T on the plus strand (G>A on the coding strand, the complement: MLH3 is on the minus strand). VCF-style: chr14-75049478-C-T. GRCh37 (hg19) VCF-style: chr14-75516181-C-T.
Other names: c.178G>A, p.Gly60Arg (NM_014381.3); short protein forms G60R.
Identifiers: ClinVar variation 1986356 (VCV001986356.4), dbSNP rs1412532548, ClinGen allele CA390451412.

ClinVar aggregate classification (germline): Uncertain significance (1 of 4 stars; one submission).

Conditions:
Colorectal cancer, hereditary nonpolyposis, type 7. Identifiers: Orphanet 144, MedGen C1858380, MONDO:0013725, OMIM 614385.

Allele frequency attached by ClinVar (database versions not stated): TOPMed 0.00001.

Submission:

Labcorp Genetics (formerly Invitae), Labcorp
Classification: Uncertain significance for Colorectal cancer, hereditary nonpolyposis, type 7. Last evaluated: 2022-08-26. Review status: criteria provided, single submitter. Criteria: Invitae Variant Classification Sherloc (09022015). Collection method: clinical testing. Allele origin: germline.
Comment: In summary, the available evidence is currently insufficient to determine the role of this variant in disease. Therefore, it has been classified as a Variant of Uncertain Significance. Algorithms developed to predict the effect of missense changes on protein structure and function are either unavailable or do not agree on the potential impact of this missense change (SIFT: "Deleterious"; PolyPhen-2: "Probably Damaging"; Align-GVGD: "Class C15"). This variant has not been reported in the literature in individuals affected with MLH3-related conditions. This variant is not present in population databases (gnomAD no frequency). This sequence change replaces glycine, which is neutral and non-polar, with arginine, which is basic and polar, at codon 60 of the MLH3 protein (p.Gly60Arg).